The following is an entry in ClinVar:

ClinVar aggregate classification (germline): Uncertain significance. Review status: criteria provided, multiple submitters, no conflicts (2 of 4 stars). 2 submissions from 2 submitters: Uncertain significance (2). Last evaluated 2022-11-20.

Conditions:
PGM1-congenital disorder of glycosylation. Also called: PHOSPHOGLUCOMUTASE 1 DEFICIENCY; PGM1 DEFICIENCY; GLYCOGEN STORAGE DISEASE XIV; GSD XIV; CDG It; Congenital disorder of glycosylation type 1t. Identifiers: Orphanet 319646, MedGen C2752015, MONDO:0013968, OMIM 614921.

Allele frequency attached by ClinVar (database versions not stated): gnomAD exomes below 0.00001; ExAC 0.00001; gnomAD 0.00001.
gnomAD v4.1: 4 of 1,613,908 alleles (0.00025%); highest among the groups gnomAD compares: Non-Finnish European, 0.00034%; no homozygotes.

Submissions (2):

Labcorp Genetics (formerly Invitae), Labcorp
Classification: Uncertain significance for PGM1-congenital disorder of glycosylation. Last evaluated: 2022-11-20. Review status: criteria provided, single submitter. Criteria: Invitae Variant Classification Sherloc (09022015). Collection method: clinical testing. Allele origin: germline.
Comment: ClinVar contains an entry for this variant (Variation ID: 1042225). This variant has not been reported in the literature in individuals affected with PGM1-related conditions. This variant is present in population databases (rs757573887, gnomAD 0.002%). This sequence change replaces alanine, which is neutral and non-polar, with glycine, which is neutral and non-polar, at codon 526 of the PGM1 protein (p.Ala526Gly). Advanced modeling of protein sequence and biophysical properties (such as structural, functional, and spatial information, amino acid conservation, physicochemical variation, residue mobility, and thermodynamic stability) performed at Invitae indicates that this missense variant is not expected to disrupt PGM1 protein function. In summary, the available evidence is currently insufficient to determine the role of this variant in disease. Therefore, it has been classified as a Variant of Uncertain Significance.

GeneDx
Classification: Uncertain significance. Last evaluated: 2021-02-26. Review status: criteria provided, single submitter. Criteria: GeneDx Variant Classification Process June 2021. Collection method: clinical testing. Allele origin: germline. Affected: yes.
Comment: Not observed at a significant frequency in large population cohorts (Lek et al., 2016); In silico analysis supports that this missense variant does not alter protein structure/function; Has not been previously published as pathogenic or benign to our knowledge

NM_002633.3(PGM1):c.1577C>G (p.Ala526Gly)

Gene: PGM1 (phosphoglucomutase 1; plus strand). Cytogenetic location: 1p31.3.
Variant type: single nucleotide variant.
Coding change: c.1577C>G on transcript NM_002633.3 (MANE Select); coding-DNA position 1577, C replaced by G.
Protein change: p.Ala526Gly; replaces alanine 526 with glycine.
Molecular consequence: missense variant.
Genome position (GRCh38, 1-based): chr1:63,654,444, C>G. VCF-style: chr1-63654444-C-G. GRCh37 (hg19) VCF-style: chr1-64120115-C-G.
Other names: c.1631C>G, p.Ala544Gly (NM_001172818.1); c.986C>G, p.Ala329Gly (NM_001172819.2); short protein forms A544G, A526G, A329G.
Identifiers: ClinVar variation 1042225 (VCV001042225.11), dbSNP rs757573887, ClinGen allele CA889902.